The following is an entry in ClinVar:

ClinVar aggregate classification (germline): Uncertain significance. Review status: criteria provided, multiple submitters, no conflicts (2 of 4 stars). 5 submissions from 5 submitters: Uncertain significance (5). Last evaluated 2025-03-05.

Conditions:
Hereditary cancer-predisposing syndrome. Also called: Neoplastic Syndromes, Hereditary; Hereditary Cancer Syndrome; Hereditary neoplastic syndrome; Tumor predisposition. Identifiers: Orphanet 140162, MedGen C0027672, MeSH D009386, MONDO:0015356.
Familial thoracic aortic aneurysm and aortic dissection (TAAD). Also called: Thoracic aortic aneurysms and dissections. Identifiers: Orphanet 91387, MedGen C4707243, MONDO:0019625.
Juvenile polyposis syndrome (JPS). Identifiers: Orphanet 2929, MedGen C0345893, MONDO:0017380, OMIM 174900.
Myhre syndrome (MYHRS). Also called: LARYNGOTRACHEAL STENOSIS, ARTHROPATHY, PROGNATHISM, AND SHORT STATURE; LAPS SYNDROME. Identifiers: Orphanet 2588, MedGen C0796081, MONDO:0007688, OMIM 139210.
Juvenile polyposis/hereditary hemorrhagic telangiectasia syndrome (JPHT). Also called: POLYPOSIS, GENERALIZED JUVENILE, WITH PULMONARY ARTERIOVENOUS MALFORMATION; TELANGIECTASIA, HEREDITARY HEMORRHAGIC, WITH JUVENILE POLYPOSIS COLI; Juvenile Polyposis Syndrome / Hereditary Hemorrhagic Telangiectasia (JPS/HHT); JP/HHT SYNDROME; JUVENILE POLYPOSIS WITH HEREDITARY HEMORRHAGIC TELANGIECTASIA. Identifiers: Orphanet 2929, MedGen C1832942, MONDO:0008278, OMIM 175050.
Carcinoma of pancreas. Also called: PANCREATIC ACINAR CARCINOMA; PANCREATIC CARCINOMA; Pancreatic cancer, somatic; Pancreatic carcinoma, somatic; Exocrine pancreatic carcinoma. Identifiers: Orphanet 1333, Orphanet 217074, MedGen C0235974, MONDO:0005192. Disease mechanism: loss of function.

Submissions (5):

Labcorp Genetics (formerly Invitae), Labcorp
Classification: Uncertain significance for Juvenile polyposis syndrome. Last evaluated: 2025-03-05. Review status: criteria provided, single submitter. Criteria: Invitae Variant Classification Sherloc (09022015). Collection method: clinical testing. Allele origin: germline.
Comment: This sequence change replaces leucine, which is neutral and non-polar, with valine, which is neutral and non-polar, at codon 551 of the SMAD4 protein (p.Leu551Val). This variant is not present in population databases (gnomAD no frequency). This variant has not been reported in the literature in individuals affected with SMAD4-related conditions. ClinVar contains an entry for this variant (Variation ID: 419554). Invitae Evidence Modeling of protein sequence and biophysical properties (such as structural, functional, and spatial information, amino acid conservation, physicochemical variation, residue mobility, and thermodynamic stability) indicates that this missense variant is not expected to disrupt SMAD4 protein function with a negative predictive value of 95%. In summary, the available evidence is currently insufficient to determine the role of this variant in disease. Therefore, it has been classified as a Variant of Uncertain Significance.

Ambry Genetics
Classification: Uncertain significance for Hereditary cancer-predisposing syndrome; Familial thoracic aortic aneurysm and aortic dissection. Last evaluated: 2024-07-12. Review status: criteria provided, single submitter. Criteria: Ambry Variant Classification Scheme 2023. Collection method: clinical testing. Allele origin: germline.
Comment: The p.L551V variant (also known as c.1651T>G), located in coding exon 11 of the SMAD4 gene, results from a T to G substitution at nucleotide position 1651. The leucine at codon 551 is replaced by valine, an amino acid with highly similar properties. This amino acid position is highly conserved in available vertebrate species. In addition, the in silico prediction for this alteration is inconclusive. Based on the available evidence, the clinical significance of this variant remains unclear.

Color Diagnostics, LLC DBA Color Health
Classification: Uncertain significance for Hereditary cancer-predisposing syndrome. Last evaluated: 2024-03-06. Review status: criteria provided, single submitter. Criteria: ACMG Guidelines, 2015. Collection method: clinical testing. Allele origin: germline.
Comment: This missense variant replaces leucine with valine at codon 551 of the SMAD4 protein. Computational prediction is inconclusive regarding the impact of this variant on protein structure and function (internally defined REVEL score threshold 0.5 < inconclusive < 0.7, PMID: 27666373). Splice site prediction tools suggest that this variant may not impact RNA splicing. To our knowledge, functional studies have not been performed for this variant. This variant has not been reported in individuals affected with hereditary cancer in the literature. This variant has not been identified in the general population by the Genome Aggregation Database (gnomAD). The available evidence is insufficient to determine the role of this variant in disease conclusively. Therefore, this variant is classified as a Variant of Uncertain Significance.

Fulgent Genetics
Classification: Uncertain significance for Myhre syndrome; Juvenile polyposis syndrome; Juvenile polyposis/hereditary hemorrhagic telangiectasia syndrome; Familial pancreatic carcinoma. Last evaluated: 2021-09-03. Review status: criteria provided, single submitter. Criteria: ACMG Guidelines, 2015. Collection method: clinical testing. Allele origin: unknown.

GeneDx
Classification: Uncertain significance. Last evaluated: 2015-07-27. Review status: criteria provided, single submitter. Criteria: GeneDx Variant Classification (06012015). Collection method: clinical testing. Allele origin: germline. Affected: yes.
Comment: This variant is denoted SMAD4 c.1651T>G at the cDNA level, p.Leu551Val (L551V) at the protein level, and results in the change of a Leucine to a Valine (TTA>GTA). This variant has not, to our knowledge, been published in the literature as pathogenic or benign. SMAD4 Leu551Val was not observed in approximately 6,500 individuals of European and African American ancestry in the NHLBI Exome Sequencing Project, indicating it is not a common benign variant in these populations. Since Leucine and Valine share similar properties, this is considered a conservative amino acid substitution. SMAD4 Leu551Val occurs at a position that is conserved across species and is located in the MH2 domain (UniProt). In silico analyses are inconsistent regarding the effect this variant may have on protein structure and function. Based on currently available information, it is unclear whether SMAD4 Leu551Val is pathogenic or benign. We consider it to be a variant of uncertain significance.

NM_005359.6(SMAD4):c.1651T>G (p.Leu551Val)

Gene: SMAD4 (SMAD family member 4; plus strand). Cytogenetic location: 18q21.2.
Variant type: single nucleotide variant.
Coding change: c.1651T>G on transcript NM_005359.6 (MANE Select); coding-DNA position 1651, T replaced by G.
Protein change: p.Leu551Val; replaces leucine 551 with valine.
Molecular consequence: missense variant.
Genome position (GRCh38, 1-based): chr18:51,078,459, T>G. VCF-style: chr18-51078459-T-G. GRCh37 (hg19) VCF-style: chr18-48604829-T-G.
Other names: short protein forms L551V.
Identifiers: ClinVar variation 419554 (VCV000419554.20), dbSNP rs1064793950, ClinGen allele CA16620711.